The following is an entry in ClinVar:

ClinVar aggregate classification (germline): Uncertain significance (1 of 4 stars; one submission).

Conditions:
Glycogen storage disease, type VI (GSD6). Also called: Glycogen storage disease type 6; Hepatic glycogen phosphorylase deficiency; Glycogen storage disease type 6, due to phosphorylation; GSD VI; HERS DISEASE; PHOSPHORYLASE DEFICIENCY GLYCOGEN-STORAGE DISEASE OF LIVER. Identifiers: Orphanet 369, MedGen C0017925, MONDO:0009294, OMIM 232700.

Allele frequency attached by ClinVar (database versions not stated): TOPMed 0.00002.
gnomAD v4.1: 103 of 1,614,090 alleles (0.0064%); highest among the groups gnomAD compares: Admixed American, 0.0083%; no homozygotes.

Submission:

Labcorp Genetics (formerly Invitae), Labcorp
Classification: Uncertain significance for Glycogen storage disease, type VI. Last evaluated: 2020-06-09. Review status: criteria provided, single submitter. Criteria: Invitae Variant Classification Sherloc (09022015). Collection method: clinical testing. Allele origin: germline.
Comment: This variant has not been reported in the literature in individuals with PYGL-related conditions. This sequence change replaces arginine with cysteine at codon 387 of the PYGL protein (p.Arg387Cys). The arginine residue is highly conserved and there is a large physicochemical difference between arginine and cysteine. This variant is present in population databases (rs773575319, ExAC 0.006%). Algorithms developed to predict the effect of missense changes on protein structure and function (SIFT, PolyPhen-2, Align-GVGD) all suggest that this variant is likely to be disruptive, but these predictions have not been confirmed by published functional studies and their clinical significance is uncertain. In summary, the available evidence is currently insufficient to determine the role of this variant in disease. Therefore, it has been classified as a Variant of Uncertain Significance.

NM_002863.5(PYGL):c.1159C>T (p.Arg387Cys)

Gene: PYGL (glycogen phosphorylase L; minus strand). Cytogenetic location: 14q22.1.
Variant type: single nucleotide variant.
Coding change: c.1159C>T on transcript NM_002863.5 (MANE Select); coding-DNA position 1159, C replaced by T.
Protein change: p.Arg387Cys; replaces arginine 387 with cysteine.
Molecular consequence: missense variant.
Genome position (GRCh38, 1-based): chr14:50,915,905, G>A on the plus strand (C>T on the coding strand, the complement: PYGL is on the minus strand). VCF-style: chr14-50915905-G-A. GRCh37 (hg19) VCF-style: chr14-51382623-G-A.
Other names: c.1057C>T, p.Arg353Cys (NM_001163940.2); short protein forms R353C, R387C.
Identifiers: ClinVar variation 1027076 (VCV001027076.8), dbSNP rs773575319, ClinGen allele CA7183543.
Genomic context (GRCh38, chr14:50,915,905, plus strand): 5'-TCTCATAAATGATTTCCAAATGTCGAGGGAGCAGCTTCTCCACCAGGTCCACGGGCCAGC[G>A]CTCCAGGGCTTCCGGGAGCACTGTGTGGTTGGTGTAGGCGAAGGTCTTCTGGGTGAGCTC-3'
Protein context (NP_002854.3, residues 377-397): NHTVLPEALE[Arg387Cys]WPVDLVEKLL